The following is an entry in ClinVar:

ClinVar aggregate classification (germline): Likely pathogenic (1 of 4 stars; one submission).

Conditions:
Dihydropyrimidine dehydrogenase deficiency (DPYDD). Also called: DPD DEFICIENCY; DPYD DEFICIENCY; Hereditary Thymine-Uraciluria. Identifiers: Orphanet 1675, MedGen C1959620, MONDO:0010130, OMIM 274270.

Allele frequency attached by ClinVar (database versions not stated): gnomAD exomes below 0.00001.
gnomAD v4.1: 1 of 1,613,524 alleles (0.000062%); highest among the groups gnomAD compares: South Asian, 0.0011%; no homozygotes.

Submission:

Women's Health and Genetics/Laboratory Corporation of America, LabCorp
Classification: Likely pathogenic for Dihydropyrimidine dehydrogenase deficiency. Last evaluated: 2018-04-05. Review status: criteria provided, single submitter. Criteria: LabCorp Variant Classification Summary - May 2015. Collection method: clinical testing. Allele origin: germline.
Comment: Variant summary: DPYD c.658C>T (p.Gln220X) results in a premature termination codon, predicted to cause a truncation of the encoded protein or absence of the protein due to nonsense mediated decay, which are commonly known mechanisms for disease. A truncation downstream of this position has been classified as likely pathogenic by our laboratory, c.661G>T (p.Glu221X). To our knowledge, no occurrence of c.658C>T in individuals affected with Dihydropyrimidine Dehydrogenase Deficiency and no experimental evidence demonstrating its impact on protein function have been reported. No clinical diagnostic laboratories have submitted clinical-significance assessments for this variant to ClinVar after 2014. Based on the evidence outlined above, the variant was classified as likely pathogenic.

NM_000110.4(DPYD):c.658C>T (p.Gln220Ter)

Gene: DPYD (dihydropyrimidine dehydrogenase; minus strand). Cytogenetic location: 1p21.3.
Variant type: single nucleotide variant.
Coding change: c.658C>T on transcript NM_000110.4 (MANE Select); coding-DNA position 658, C replaced by T.
Protein change: p.Gln220Ter; replaces glutamine 220 with a stop codon.
Molecular consequence: nonsense.
Genome position (GRCh38, 1-based): chr1:97,699,373, G>A on the plus strand (C>T on the coding strand, the complement: DPYD is on the minus strand). VCF-style: chr1-97699373-G-A. GRCh37 (hg19) VCF-style: chr1-98164929-G-A.
Other names: short protein forms Q220*.
Identifiers: ClinVar variation 632791 (VCV000632791.1), dbSNP rs1220608789, ClinGen allele CA341379612.